The following is an entry in ClinVar:

ClinVar aggregate classification (germline): Uncertain significance (1 of 4 stars; one submission).

Allele frequency attached by ClinVar (database versions not stated): TOPMed 0.00001; gnomAD 0.00001.
gnomAD v4.1: 6 of 1,614,038 alleles (0.00037%); highest among the groups gnomAD compares: Non-Finnish European, 0.00051%; no homozygotes.

Submission:

Labcorp Genetics (formerly Invitae), Labcorp
Classification: Uncertain significance. Last evaluated: 2025-05-27. Review status: criteria provided, single submitter. Criteria: Invitae Variant Classification Sherloc (09022015). Collection method: clinical testing. Allele origin: germline.
Comment: This sequence change replaces glycine, which is neutral and non-polar, with arginine, which is basic and polar, at codon 171 of the C8B protein (p.Gly171Arg). This variant is present in population databases (no rsID available, gnomAD 0.03%). This variant has not been reported in the literature in individuals affected with C8B-related conditions. ClinVar contains an entry for this variant (Variation ID: 1401972). An algorithm developed to predict the effect of missense changes on protein structure and function (PolyPhen-2) suggests that this variant is likely to be disruptive. In summary, the available evidence is currently insufficient to determine the role of this variant in disease. Therefore, it has been classified as a Variant of Uncertain Significance.

NM_000066.4(C8B):c.511G>C (p.Gly171Arg)

Gene: C8B (complement C8 beta chain; minus strand). Cytogenetic location: 1p32.2.
Variant type: single nucleotide variant.
Coding change: c.511G>C on transcript NM_000066.4 (MANE Select); coding-DNA position 511, G replaced by C.
Protein change: p.Gly171Arg; replaces glycine 171 with arginine.
Molecular consequence: missense variant.
Genome position (GRCh38, 1-based): chr1:56,954,708, C>G on the plus strand (G>C on the coding strand, the complement: C8B is on the minus strand). VCF-style: chr1-56954708-C-G. GRCh37 (hg19) VCF-style: chr1-57420381-C-G.
Other names: c.355G>C, p.Gly119Arg (NM_001278543.2); c.325G>C, p.Gly109Arg (NM_001278544.2); short protein forms G109R, G119R, G171R.
Identifiers: ClinVar variation 1401972 (VCV001401972.8), dbSNP rs756333844, ClinGen allele CA22831339.